The following is an entry in ClinVar:

ClinVar aggregate classification (germline): Uncertain significance (1 of 4 stars; one submission).

Allele frequency attached by ClinVar (database versions not stated): gnomAD exomes 0.00003; TOPMed 0.00033; gnomAD 0.00035.

Submission:

Labcorp Genetics (formerly Invitae), Labcorp
Classification: Uncertain significance. Last evaluated: 2025-12-18. Review status: criteria provided, single submitter. Criteria: Invitae Variant Classification Sherloc (09022015). Collection method: clinical testing. Allele origin: germline.
Comment: This sequence change replaces glycine, which is neutral and non-polar, with glutamic acid, which is acidic and polar, at codon 22 of the CPOX protein (p.Gly22Glu). The frequency data for this variant in the population databases is considered unreliable, as metrics indicate poor data quality at this position in the gnomAD database. This variant has not been reported in the literature in individuals affected with CPOX-related conditions. ClinVar contains an entry for this variant (Variation ID: 2166139). An algorithm developed to predict the effect of missense changes on protein structure and function (PolyPhen-2) suggests that this variant is likely to be disruptive. In summary, the available evidence is currently insufficient to determine the role of this variant in disease. Therefore, it has been classified as a Variant of Uncertain Significance.

NM_000097.7(CPOX):c.65G>A (p.Gly22Glu)

Genes: CPOX (coproporphyrinogen oxidase; minus strand), LOC129937121 (ATAC-STARR-seq lymphoblastoid silent region 14560; plus strand). Cytogenetic location: 3q11.2.
Variant type: single nucleotide variant.
Coding change: c.65G>A on transcript NM_000097.7 (MANE Select); coding-DNA position 65, G replaced by A.
Protein change: p.Gly22Glu; replaces glycine 22 with glutamic acid.
Molecular consequence: missense variant.
Genome position (GRCh38, 1-based): chr3:98,593,440, C>T on the plus strand (G>A on the coding strand, the complement: CPOX is on the minus strand). VCF-style: chr3-98593440-C-T. GRCh37 (hg19) VCF-style: chr3-98312284-C-T.
Other names: short protein forms G22E.
Identifiers: ClinVar variation 2166139 (VCV002166139.4), dbSNP rs997366921, ClinGen allele CA80083877.
Genomic context (GRCh38, chr3:98,593,440, plus strand): 5'-CTGCGCTGGGACCAGGCTCGGAGCCCTCCGCCGCCGCACTGGGACCAGGCGCGGGGCCCT[C>T]CGCAGCCGCCCCGCGCCACGAGCCAGCAGGGGCCCGAGCTCAGCCTGCCCAGCTGCAAGG-3'
Protein context (NP_000088.3, residues 12-32): PCWLVARGGC[Gly22Glu]GPRAWSQCGG